The following is an entry in ClinVar:

NM_001258392.3(CLPB):c.1425C>T (p.His475=)

Gene: CLPB (ClpB family mitochondrial disaggregase; minus strand). Cytogenetic location: 11q13.4.
Variant type: single nucleotide variant.
Coding change: c.1425C>T on transcript NM_001258392.3 (MANE Select); coding-DNA position 1425, C replaced by T.
Protein change: p.His475=; no amino-acid change (histidine 475 retained).
Molecular consequence: synonymous variant.
Genome position (GRCh38, 1-based): chr11:72,295,553, G>A on the plus strand (C>T on the coding strand, the complement: CLPB is on the minus strand). VCF-style: chr11-72295553-G-A. GRCh37 (hg19) VCF-style: chr11-72006597-G-A.
Other names: c.1338C>T, p.His446= (NM_001258393.3); c.1380C>T, p.His460= (NM_001258394.3); c.1515C>T, p.His505= (NM_030813.6).
Identifiers: ClinVar variation 507134 (VCV000507134.14), dbSNP rs756497518, ClinGen allele CA6171174.
Genomic context (GRCh38, chr11:72,295,553, plus strand): 5'-CAGGTTTTCGGCAATACGGTTACGGCTCATCTCCAAAGCTTCCTGCCTCAGCTGCAGCGC[G>A]TGCTGTGCGATCTCGTCGCTGGCCACATTGGAGGTCATGATGAAGATGGCGTCCTTGCAA-3'
Protein context (NP_001245321.1, residues 465-485): SNVASDEIAQ[His475=]ALQLRQEALE

ClinVar aggregate classification (germline): Likely benign. Review status: criteria provided, multiple submitters, no conflicts (2 of 4 stars). 3 submissions from 3 submitters: Likely benign (2). 1 of the submissions does not count toward it. Last evaluated 2026-01-13.

Conditions:
CLPB-related disorder. Also called: CLPB-related condition.
3-methylglutaconic aciduria, type VIIB (MGCA7B). Also called: 3-methylglutaconic aciduria, type VII, with cataracts, neurologic involvement and neutropenia; CLPB Deficiency; 3-methylglutaconic aciduria with cataracts, neurologic involvement and neutropenia. Identifiers: Orphanet 445038, MedGen C5676893, MONDO:0014561, OMIM 616271.

Allele frequency attached by ClinVar (database versions not stated): ExAC 0.00012; gnomAD 0.00018 and 0.00019; TOPMed 0.00031.
gnomAD v4.1: 98 of 1,614,234 alleles (0.0061%); highest among the groups gnomAD compares: Admixed American, 0.042%; no homozygotes.

Submissions (3):

Labcorp Genetics (formerly Invitae), Labcorp
Classification: Likely benign for 3-methylglutaconic aciduria, type VIIB. Last evaluated: 2026-01-13. Review status: criteria provided, single submitter. Criteria: Invitae Variant Classification Sherloc (09022015). Collection method: clinical testing. Allele origin: germline.

GeneDx
Classification: Likely benign. Last evaluated: 2017-12-14. Review status: criteria provided, single submitter. Criteria: GeneDx Variant Classification (06012015). Collection method: clinical testing. Allele origin: germline. Affected: yes.
Comment: This variant is considered likely benign or benign based on one or more of the following criteria: it is a conservative change, it occurs at a poorly conserved position in the protein, it is predicted to be benign by multiple in silico algorithms, and/or has population frequency not consistent with disease.

PreventionGenetics, part of Exact Sciences
Classification: Likely benign for CLPB-related condition. Last evaluated: 2020-03-13. Review status: no assertion criteria provided. Collection method: clinical testing. Allele origin: germline. Not counted in ClinVar's aggregate classification.
Comment: This variant is classified as likely benign based on ACMG/AMP sequence variant interpretation guidelines (Richards et al. 2015 PMID: 25741868, with internal and published modifications).